The following is an entry in ClinVar:

NM_013266.4(CTNNA3):c.293-19A>T

Gene: CTNNA3 (catenin alpha 3; minus strand). Cytogenetic location: 10q21.3.
Variant type: single nucleotide variant.
Coding change: c.293-19A>T on transcript NM_013266.4 (MANE Select); 19 bases into the intron before coding-DNA position 293, A replaced by T.
Molecular consequence: intron variant.
Genome position (GRCh38, 1-based): chr10:67,539,688, T>A on the plus strand (A>T on the coding strand, the complement: CTNNA3 is on the minus strand). VCF-style: chr10-67539688-T-A. GRCh37 (hg19) VCF-style: chr10-69299446-T-A.
Other names: c.293-19A>T (NM_001127384.3); c.329-19A>T (NM_001291133.2).
Identifiers: ClinVar variation 516744 (VCV000516744.14), dbSNP rs1909654, ClinGen allele CA5520649.
Genomic context (GRCh38, chr10:67,539,688, plus strand): 5'-GGTCATCTGTAAATCTCTCAGCTGATACTTTCAGAGCTTCACCTGAAAAATACAACCCCA[T>A]ATAAGTTATACTTTAAGTTTCAACTATGCCTATTTCAGGATTTATCAGCTAACCTAATTC-3'

ClinVar aggregate classification (germline): Benign. Review status: criteria provided, multiple submitters, no conflicts (2 of 4 stars). 7 submissions from 7 submitters: Benign (5). 2 of the submissions do not count toward it. Last evaluated 2026-02-04.

Conditions:
Arrhythmogenic right ventricular dysplasia 13. Also called: ARRHYTHMOGENIC RIGHT VENTRICULAR CARDIOMYOPATHY 13; Arrhythmogenic right ventricular dysplasia, familial, 13. Identifiers: MedGen C3810138, MONDO:0000908, OMIM 615616.

Allele frequency attached by ClinVar (database versions not stated): gnomAD exomes 0.12100; ExAC 0.13297; 1000 Genomes Project 0.19549; gnomAD 0.19944 and 0.20576; 1000 Genomes Project 30x 0.20284; TOPMed 0.20818; ESP Exome Variant Server 0.21951.
gnomAD v4.1: 192,026 of 1,608,560 alleles (12%); highest among the groups gnomAD compares: African/African-American, 46%; 17,028 homozygotes.

Submissions (7):

Labcorp Genetics (formerly Invitae), Labcorp
Classification: Benign for Arrhythmogenic right ventricular dysplasia 13. Last evaluated: 2026-02-04. Review status: criteria provided, single submitter. Criteria: Invitae Variant Classification Sherloc (09022015). Collection method: clinical testing. Allele origin: germline.

Blueprint Genetics
Classification: Benign. Last evaluated: 2024-11-27. Review status: criteria provided, single submitter. Criteria: ACMG Guidelines, 2015. Collection method: clinical testing. Allele origin: germline.

Women's Health and Genetics/Laboratory Corporation of America, LabCorp
Classification: Benign. Last evaluated: 2023-04-09. Review status: criteria provided, single submitter. Criteria: LabCorp Variant Classification Summary - May 2015. Collection method: clinical testing. Allele origin: germline.

GeneDx
Classification: Benign. Last evaluated: 2017-10-26. Review status: criteria provided, single submitter. Criteria: GeneDx Variant Classification (06012015). Collection method: clinical testing. Allele origin: germline. Affected: yes.
Comment: This variant is considered likely benign or benign based on one or more of the following criteria: it is a conservative change, it occurs at a poorly conserved position in the protein, it is predicted to be benign by multiple in silico algorithms, and/or has population frequency not consistent with disease.

Breakthrough Genomics
Classification: Benign. Review status: criteria provided, single submitter. Criteria: ACMG Guidelines, 2015. Collection method: not provided. Allele origin: germline. Inheritance: Autosomal dominant inheritance. Affected: yes.

Clinical Genetics DNA and cytogenetics Diagnostics Lab, Erasmus MC, Erasmus Medical Center
Classification: Benign. Review status: no assertion criteria provided. Collection method: clinical testing. Allele origin: germline. Affected: yes. Study: VKGL Data-share Consensus. Not counted in ClinVar's aggregate classification.

Clinical Genetics, Academic Medical Center
Classification: Benign. Review status: no assertion criteria provided. Collection method: clinical testing. Allele origin: germline. Affected: yes. Study: VKGL Data-share Consensus. Not counted in ClinVar's aggregate classification.